The following is an entry in ClinVar:

NM_000138.5(FBN1):c.394G>T (p.Asp132Tyr)

Gene: FBN1 (fibrillin 1; minus strand). Cytogenetic location: 15q21.1.
Variant type: single nucleotide variant.
Coding change: c.394G>T on transcript NM_000138.5 (MANE Select); coding-DNA position 394, G replaced by T.
Protein change: p.Asp132Tyr; replaces aspartic acid 132 with tyrosine.
Molecular consequence: missense variant.
Genome position (GRCh38, 1-based): chr15:48,600,187, C>A on the plus strand (G>T on the coding strand, the complement: FBN1 is on the minus strand). VCF-style: chr15-48600187-C-A. GRCh37 (hg19) VCF-style: chr15-48892384-C-A.
Other names: c.394G>T, p.Asp132Tyr (NM_001406716.1, NM_001406717.1); short protein forms D132Y.
Identifiers: ClinVar variation 4883109 (VCV004883109.2).

ClinVar aggregate classification (germline): Uncertain significance (1 of 4 stars; one submission).

Submission:

Dasa
Classification: Uncertain significance. Last evaluated: 2025-05-30. Review status: criteria provided, single submitter. Criteria: DASA Assertion Criteria. Collection method: clinical testing. Allele origin: germline.
Comment: NM_000138.5(FBN1):c.394G>T (p.Asp132Tyr) is a missense variant that results in the substitution of aspartic acid with tyrosine. This variant is absent from population databases. The currently available literature and clinical evidence are not sufficient to establish a definitive association between this variant and the reported condition. Therefore, this variant is classified as a variant of uncertain significance.